The following is an entry in ClinVar:

NM_000051.4(ATM):c.6449C>T (p.Ala2150Val)

Genes: ATM (ATM serine/threonine kinase; plus strand), C11orf65 (chromosome 11 open reading frame 65; minus strand). Cytogenetic location: 11q22.3.
Variant type: single nucleotide variant.
Coding change: c.6449C>T on transcript NM_000051.4 (MANE Select); coding-DNA position 6449, C replaced by T.
Protein change: p.Ala2150Val; replaces alanine 2150 with valine.
Molecular consequence: missense variant. On other transcripts: intron variant (2).
Genome position (GRCh38, 1-based): chr11:108,320,055, C>T. VCF-style: chr11-108320055-C-T. GRCh37 (hg19) VCF-style: chr11-108190782-C-T.
Other names: c.6449C>T, p.Ala2150Val (NM_001351834.2); c.641-10984G>A (NM_001330368.2); c.*39-10984G>A (NM_001351110.2); short protein forms A2150V.
Identifiers: ClinVar variation 1059547 (VCV001059547.9), dbSNP rs2136222623, ClinGen allele CA382553669.

ClinVar aggregate classification (germline): Uncertain significance (1 of 4 stars; one submission).

Conditions:
Ataxia-telangiectasia syndrome (AT). Also called: Ataxia telangiectasia (A-T); ATAXIA-TELANGIECTASIA, COMPLEMENTATION GROUP A; ATAXIA-TELANGIECTASIA, FRESNO VARIANT; Ataxia-telangiectasia; Ataxia-telangiectasia, complementation group E; LOUIS-BAR SYNDROME. Identifiers: Orphanet 100, MedGen C0004135, MONDO:0008840, OMIM 208900.

Submission:

Labcorp Genetics (formerly Invitae), Labcorp
Classification: Uncertain significance for Ataxia-telangiectasia syndrome. Last evaluated: 2020-09-07. Review status: criteria provided, single submitter. Criteria: Invitae Variant Classification Sherloc (09022015). Collection method: clinical testing. Allele origin: germline.
Comment: In summary, the available evidence is currently insufficient to determine the role of this variant in disease. Therefore, it has been classified as a Variant of Uncertain Significance. Advanced modeling of protein sequence and biophysical properties (such as structural, functional, and spatial information, amino acid conservation, physicochemical variation, residue mobility, and thermodynamic stability) performed at Invitae indicates that this missense variant is not expected to disrupt ATM protein function. This variant has not been reported in the literature in individuals with ATM-related conditions. This variant is not present in population databases (ExAC no frequency). This sequence change replaces alanine with valine at codon 2150 of the ATM protein (p.Ala2150Val). The alanine residue is highly conserved and there is a small physicochemical difference between alanine and valine.